The following is an entry in ClinVar:

NM_000038.6(APC):c.8433C>T (p.Asn2811=)

Gene: APC (APC regulator of Wnt signaling pathway; plus strand). Cytogenetic location: 5q22.2.
Variant type: single nucleotide variant.
Coding change: c.8433C>T on transcript NM_000038.6 (MANE Select); coding-DNA position 8433, C replaced by T.
Protein change: p.Asn2811=; no amino-acid change (asparagine 2811 retained).
Molecular consequence: synonymous variant.
Genome position (GRCh38, 1-based): chr5:112,844,027, C>T. VCF-style: chr5-112844027-C-T. GRCh37 (hg19) VCF-style: chr5-112179724-C-T.
Other names: c.8433C>T, p.Asn2811= (NM_001127510.3, NM_001354895.2); c.8379C>T, p.Asn2793= (NM_001127511.3); c.8487C>T, p.Asn2829= (NM_001354896.2); c.8463C>T, p.Asn2821= (NM_001354897.2); c.8358C>T, p.Asn2786= (NM_001354898.2); c.8349C>T, p.Asn2783= (NM_001354899.2); c.8310C>T, p.Asn2770= (NM_001354900.2); c.8256C>T, p.Asn2752= (NM_001354901.2); and 5 more.
Identifiers: ClinVar variation 219781 (VCV000219781.21), dbSNP rs864622247, ClinGen allele CA348053.

ClinVar aggregate classification (germline): Benign/Likely benign. Review status: criteria provided, multiple submitters, no conflicts (2 of 4 stars). 6 submissions from 6 submitters: Benign (1); Likely benign (5). Last evaluated 2025-10-07.

Conditions:
Classic or attenuated familial adenomatous polyposis. Identifiers: MedGen CN372698, MONDO:0021057.
Hereditary cancer-predisposing syndrome. Also called: Hereditary neoplastic syndrome; Tumor predisposition; Hereditary Cancer Syndrome; Neoplastic Syndromes, Hereditary. Identifiers: Orphanet 140162, MedGen C0027672, MeSH D009386, MONDO:0015356.
Familial adenomatous polyposis 1 (FAP1). Also called: FAMILIAL ADENOMATOUS POLYPOSIS 1, ATTENUATED; POLYPOSIS, ADENOMATOUS INTESTINAL. Identifiers: MedGen C2713442, MONDO:0021056, OMIM 175100. Disease mechanism: loss of function.

Allele frequency attached by ClinVar (database versions not stated): gnomAD exomes below 0.00001.
gnomAD v4.1: 1 of 1,602,354 alleles (0.000062%); highest among the groups gnomAD compares: Non-Finnish European, 0.000085%; no homozygotes.

Submissions (6):

Labcorp Genetics (formerly Invitae), Labcorp
Classification: Likely benign for Familial adenomatous polyposis 1. Last evaluated: 2025-10-07. Review status: criteria provided, single submitter. Criteria: Invitae Variant Classification Sherloc (09022015). Collection method: clinical testing. Allele origin: germline.

Myriad Genetics, Inc.
Classification: Benign for Familial adenomatous polyposis 1. Last evaluated: 2024-04-15. Review status: criteria provided, single submitter. Criteria: Myriad Autosomal Dominant, Autosomal Recessive and X-Linked Classification Criteria (2023). Collection method: clinical testing. Allele origin: unknown.
Comment: This variant is considered benign. This variant is a silent/synonymous amino acid change and it is not expected to impact splicing.

All of Us Research Program, National Institutes of Health
Classification: Likely benign for Classic or attenuated familial adenomatous polyposis. Last evaluated: 2023-08-15. Review status: criteria provided, single submitter. Criteria: ACMG Guidelines, 2015. Collection method: clinical testing. Allele origin: germline. Inheritance: Autosomal dominant inheritance. Observed: 3 variant alleles, 3 heterozygotes.
Comment: This study involves interpretation of variants in research participants for the purpose of population health screening. Participant phenotype was not available at the time of variant classification. Additional details can be found in publication PMID: 35346344, PMCID: PMC8962531

Ambry Genetics
Classification: Likely benign for Hereditary cancer-predisposing syndrome. Last evaluated: 2019-03-17. Review status: criteria provided, single submitter. Criteria: Ambry Variant Classification Scheme 2023. Collection method: clinical testing. Allele origin: germline.

GeneDx
Classification: Likely benign. Last evaluated: 2018-01-24. Review status: criteria provided, single submitter. Criteria: GeneDx Variant Classification (06012015). Collection method: clinical testing. Allele origin: germline. Affected: yes.
Comment: This variant is considered likely benign or benign based on one or more of the following criteria: it is a conservative change, it occurs at a poorly conserved position in the protein, it is predicted to be benign by multiple in silico algorithms, and/or has population frequency not consistent with disease.

Color Diagnostics, LLC DBA Color Health
Classification: Likely benign for Hereditary cancer-predisposing syndrome. Last evaluated: 2017-10-02. Review status: criteria provided, single submitter. Criteria: ACMG Guidelines, 2015. Collection method: clinical testing. Allele origin: germline.